The following is an entry in ClinVar:

NM_001040142.2(SCN2A):c.4832T>A (p.Leu1611Gln)

Gene: SCN2A (sodium voltage-gated channel alpha subunit 2; plus strand). Cytogenetic location: 2q24.3.
Variant type: single nucleotide variant.
Coding change: c.4832T>A on transcript NM_001040142.2 (MANE Select); coding-DNA position 4832, T replaced by A.
Protein change: p.Leu1611Gln; replaces leucine 1611 with glutamine.
Molecular consequence: missense variant.
Genome position (GRCh38, 1-based): chr2:165,388,638, T>A. VCF-style: chr2-165388638-T-A. GRCh37 (hg19) VCF-style: chr2-166245148-T-A.
Other names: c.4832T>A, p.Leu1611Gln (NM_001040143.2, NM_001371246.1, NM_001371247.1 and 1 more transcripts); short protein forms L1611Q.
Identifiers: ClinVar variation 965179 (VCV000965179.10), dbSNP rs1701999328, ClinGen allele CA349037522.

ClinVar aggregate classification (germline): Uncertain significance (1 of 4 stars; one submission).

Conditions:
Developmental and epileptic encephalopathy, 11 (DEE11). Also called: Early infantile epileptic encephalopathy 11. Identifiers: Orphanet 1934, MedGen C3150987, MONDO:0013388, OMIM 613721.
Seizures, benign familial infantile, 3 (BFIS3). Also called: CONVULSIONS, BENIGN FAMILIAL INFANTILE, 3; Familial neonatal seizures. Identifiers: Orphanet 140927, Orphanet 306, MedGen C1843140, MONDO:0011904, OMIM 607745.

Submission:

Labcorp Genetics (formerly Invitae), Labcorp
Classification: Uncertain significance for Seizures, benign familial infantile, 3; Developmental and epileptic encephalopathy, 11. Last evaluated: 2022-01-06. Review status: criteria provided, single submitter. Criteria: Invitae Variant Classification Sherloc (09022015). Collection method: clinical testing. Allele origin: germline.
Comment: This sequence change replaces leucine, which is neutral and non-polar, with glutamine, which is neutral and polar, at codon 1611 of the SCN2A protein (p.Leu1611Gln). In summary, the available evidence is currently insufficient to determine the role of this variant in disease. Therefore, it has been classified as a Variant of Uncertain Significance. Algorithms developed to predict the effect of missense changes on protein structure and function are either unavailable or do not agree on the potential impact of this missense change (SIFT: "Deleterious"; PolyPhen-2: "Probably Damaging"; Align-GVGD: "Class C0"). ClinVar contains an entry for this variant (Variation ID: 965179). This variant has not been reported in the literature in individuals affected with SCN2A-related conditions. This variant is not present in population databases (gnomAD no frequency).